The following is an entry in ClinVar:

NM_003906.5(MCM3AP):c.5410C>T (p.Gln1804Ter)

Genes: MCM3AP (minichromosome maintenance complex component 3 associated protein; minus strand), MCM3AP-AS1 (MCM3AP antisense RNA 1; plus strand). Cytogenetic location: 21q22.3.
Variant type: single nucleotide variant.
Coding change: c.5410C>T on transcript NM_003906.5 (MANE Select); coding-DNA position 5410, C replaced by T.
Protein change: p.Gln1804Ter; replaces glutamine 1804 with a stop codon.
Molecular consequence: nonsense. On other transcripts: non-coding transcript variant (2).
Genome position (GRCh38, 1-based): chr21:46,242,818, G>A on the plus strand (C>T on the coding strand, the complement: MCM3AP is on the minus strand). VCF-style: chr21-46242818-G-A. GRCh37 (hg19) VCF-style: chr21-47662732-G-A.
Other names: short protein forms Q1804*.
Identifiers: ClinVar variation 2737010 (VCV002737010.3), dbSNP rs1336117447, ClinGen allele CA410538591.

ClinVar aggregate classification (germline): Pathogenic (1 of 4 stars; one submission).

Allele frequency attached by ClinVar (database versions not stated): TOPMed 0.00001.

Submission:

Labcorp Genetics (formerly Invitae), Labcorp
Classification: Pathogenic. Last evaluated: 2024-08-28. Review status: criteria provided, single submitter. Criteria: Invitae Variant Classification Sherloc (09022015). Collection method: clinical testing. Allele origin: germline.
Comment: This sequence change creates a premature translational stop signal (p.Gln1804*) in the MCM3AP gene. It is expected to result in an absent or disrupted protein product. Loss-of-function variants in MCM3AP are known to be pathogenic (PMID: 28633435). The frequency data for this variant in the population databases is considered unreliable, as metrics indicate poor data quality at this position in the gnomAD database. This premature translational stop signal has been observed in individual(s) with Charcot-Marie-Tooth disease (PMID: 28969388). Algorithms developed to predict the effect of sequence changes on RNA splicing suggest that this variant may disrupt the consensus splice site. For these reasons, this variant has been classified as Pathogenic.

Literature cited by the submitters: PubMed 28633435; PubMed 28969388.